The following is an entry in ClinVar:

ClinVar aggregate classification (germline): Likely benign (0 of 4 stars; one submission).

Conditions:
CSGALNACT1-related disorder. Also called: CSGALNACT1-related condition.

Allele frequency attached by ClinVar (database versions not stated): ESP Exome Variant Server 0.00300; 1000 Genomes Project 30x 0.00359; TOPMed 0.00390; 1000 Genomes Project 0.00399; gnomAD 0.00447; ExAC 0.00491; gnomAD exomes 0.00695.
gnomAD v4.1: 10,756 of 1,614,096 alleles (0.67%); highest among the groups gnomAD compares: Non-Finnish European, 0.78%; 48 homozygotes.

Submission:

PreventionGenetics, part of Exact Sciences
Classification: Likely benign for CSGALNACT1-related condition. Last evaluated: 2019-02-19. Review status: no assertion criteria provided. Collection method: clinical testing. Allele origin: germline.
Comment: This variant is classified as likely benign based on ACMG/AMP sequence variant interpretation guidelines (Richards et al. 2015 PMID: 25741868, with internal and published modifications).

NM_001354483.2(CSGALNACT1):c.*8G>T

Gene: CSGALNACT1 (chondroitin sulfate N-acetylgalactosaminyltransferase 1; minus strand). Cytogenetic location: 8p21.3.
Variant type: single nucleotide variant.
Coding change: c.*8G>T on transcript NM_001354483.2 (MANE Select); 8 bases downstream of the stop codon, G replaced by T.
Molecular consequence: 3 prime UTR variant. On other transcripts: non-coding transcript variant (7).
Genome position (GRCh38, 1-based): chr8:19,405,772, C>A on the plus strand (G>T on the coding strand, the complement: CSGALNACT1 is on the minus strand). VCF-style: chr8-19405772-C-A. GRCh37 (hg19) VCF-style: chr8-19263283-C-A.
Other names: c.*8G>T (NM_001130518.2, NM_001354475.2, NM_001354476.2 and 18 more transcripts).
Identifiers: ClinVar variation 3038018 (VCV003038018.2), dbSNP rs149973638, ClinGen allele CA4653715.